The following is an entry in ClinVar:

ClinVar aggregate classification (germline): Conflicting classifications of pathogenicity. Review status: criteria provided, conflicting classifications (1 of 4 stars). 4 submissions from 4 submitters: Likely pathogenic (1); Uncertain significance (3). Last evaluated 2025-10-14.

Conditions:
RYR1-related disorder. Also called: RYR1-related condition; RYR1-related disorders. Identifiers: MedGen CN239331.
Central core myopathy (CMYO1A). Also called: CONGENITAL MYOPATHY 1A, AUTOSOMAL DOMINANT, WITH SUSCEPTIBILITY TO MALIGNANT HYPERTHERMIA; Central core disease; Myopathy, central fibrillar. Identifiers: Orphanet 597, MedGen C5830701, MONDO:0007294, OMIM 117000.
Congenital multicore myopathy with external ophthalmoplegia (CMYO1B). Also called: Congenital myopathy 1B, autosomal recessive; Minicore myopathy; MULTICORE MYOPATHY; MULTIMINICORE DISEASE WITH EXTERNAL OPHTHALMOPLEGIA; Minicore myopathy with external ophthalmoplegia. Identifiers: Orphanet 598, Orphanet 98905, MedGen C1850674, MONDO:0009712, OMIM 255320, HP:0003789.
King Denborough syndrome (KDS). Identifiers: MedGen C1840365, MONDO:0020485, OMIM 619542.
Malignant hyperthermia, susceptibility to, 1 (MHS1). Also called: RYR1-Related Malignant Hyperthermia Susceptibility; Malignant hyperthermia suceptibility 1; Anesthesia related hyperthermia; Malignant hyperpyrexia; Fulminating hyperpyrexia; Pharmacogenic myopathy. Identifiers: Orphanet 423, MedGen C2930980, MONDO:0007783, OMIM 145600.
Congenital myopathy with fiber type disproportion. Also called: Congenital fiber-type disproportion; Congenital fiber-type disproportion myopathy. Identifiers: Orphanet 2020, MedGen C0546264, MONDO:0009711. Inheritance: all.

Submissions (4):

Color Diagnostics, LLC DBA Color Health
Classification: Uncertain significance for Malignant hyperthermia, susceptibility to, 1. Last evaluated: 2025-10-14. Review status: criteria provided, single submitter. Criteria: ACMG Guidelines, 2015. Collection method: clinical testing. Allele origin: germline.
Comment: This variant results in the in-frame deletion of three nucleotides and one amino acid in the RYR1 protein. To our knowledge, functional studies have not been reported for this variant. This variant has not been reported in individuals affected with RYR1-related disorders in the literature. This variant has been identified in 7/282048 chromosomes in the general population by the Genome Aggregation Database (gnomAD). The available evidence is insufficient to determine the role of this variant in disease conclusively. Therefore, this variant is classified as a Variant of Uncertain Significance.

GeneDx
Classification: Likely pathogenic. Last evaluated: 2024-07-23. Review status: criteria provided, single submitter. Criteria: GeneDx Variant Classification Process June 2021. Collection method: clinical testing. Allele origin: germline. Affected: yes.
Comment: Has not been previously published as pathogenic or benign to our knowledge; Not observed at significant frequency in large population cohorts (gnomAD); In silico analysis supports a deleterious effect on protein structure/function; In-frame deletion of 1 amino acids in a non-repeat region; This variant is associated with the following publications: (PMID: 33767344)

Labcorp Genetics (formerly Invitae), Labcorp
Classification: Uncertain significance for RYR1-related disorder. Last evaluated: 2022-03-08. Review status: criteria provided, single submitter. Criteria: Invitae Variant Classification Sherloc (09022015). Collection method: clinical testing. Allele origin: germline.
Comment: This variant, c.1120_1122del, results in the deletion of 1 amino acid(s) of the RYR1 protein (p.Lys374del), but otherwise preserves the integrity of the reading frame. This variant is present in population databases (rs745569223, gnomAD 0.009%). This variant has not been reported in the literature in individuals affected with RYR1-related conditions. Algorithms developed to predict the effect of sequence changes on RNA splicing suggest that this variant may disrupt the consensus splice site. In summary, the available evidence is currently insufficient to determine the role of this variant in disease. Therefore, it has been classified as a Variant of Uncertain Significance.

Fulgent Genetics
Classification: Uncertain significance for Central core myopathy; Malignant hyperthermia, susceptibility to, 1; Congenital myopathy 4A, autosomal dominant; Congenital multicore myopathy with external ophthalmoplegia; King Denborough syndrome. Last evaluated: 2021-10-02. Review status: criteria provided, single submitter. Criteria: ACMG Guidelines, 2015. Collection method: clinical testing. Allele origin: unknown.

NM_000540.3(RYR1):c.1114AAG[2] (p.Lys374del)

Gene: RYR1 (ryanodine receptor 1; plus strand). Cytogenetic location: 19q13.2.
Variant type: Microsatellite.
Coding change: c.1114AAG[2] on transcript NM_000540.3 (MANE Select); two copies in a row of the 3-base unit AAG starting at c.1114; the reference has three copies in a row; one copy, 3 bases deleted; also written c.1120_1122del.
Protein change: p.Lys374del; deletes lysine 374.
Molecular consequence: inframe deletion.
Genome position (GRCh38, 1-based): chr19:38,448,811-38,448,813, AAG deleted; deleting any 3 consecutive bases within chr19:38,448,805-38,448,813 gives the same sequence; the position shown is the placement nearest the transcript's 3' end. VCF-style (leftmost placement, unchanged base first): chr19-38448804-CAAG-C. GRCh37 (hg19) VCF-style: chr19-38939444-CAAG-C.
Other names: c.1120_1122del (NM_000540.2, NM_000540.3); c.1114AAG[2], p.Lys374del (NM_001042723.2); short protein forms K374del.
Identifiers: ClinVar variation 1434613 (VCV001434613.8), dbSNP rs745569223, ClinGen allele CA9415795.
Genomic context (GRCh38, chr19:38,448,804, plus strand): 5'-CTCAGGACTGTGGCTCACCTATGCTGCTCCAGACCCCAAGGCCCTGCGGCTCGGCGTGCT[CAAG>C]AAGAAGGTGGGTGTAATCCCAGCTACTCAGGAGGCTGAGGTGGGAGAATCGCTTGAGTCC-3'